The following is an entry in ClinVar:

ClinVar aggregate classification (germline): Likely benign. Review status: reviewed by expert panel (3 of 4 stars). 3 submissions from 3 submitters: Likely benign (1). 2 of the submissions do not count toward it. Last evaluated 2017-06-29.

Conditions:
Hereditary breast ovarian cancer syndrome. Also called: Hereditary breast and ovarian cancer syndrome; Hereditary breast and ovarian cancer syndrome (HBOC); BRCA1- and BRCA2-Associated Hereditary Breast and Ovarian Cancer; Breast and ovarian cancer; Hereditary breast and ovarian cancer; Hereditary breast and/or ovarian cancer syndrome. Identifiers: Orphanet 145, MedGen C0677776, MeSH D061325, MONDO:0003582. Disease mechanism: loss of function.
Hereditary cancer-predisposing syndrome. Also called: Hereditary Cancer Syndrome; Hereditary neoplastic syndrome; Tumor predisposition; Neoplastic Syndromes, Hereditary. Identifiers: Orphanet 140162, MedGen C0027672, MeSH D009386, MONDO:0015356.
Breast-ovarian cancer, familial, susceptibility to, 1 (BROVCA1). Also called: OVARIAN CANCER, SUSCEPTIBILITY TO; BRCA1 Hereditary Breast and Ovarian Cancer. Identifiers: Orphanet 145, MedGen C2676676, MONDO:0011450, OMIM 604370. Disease mechanism: loss of function.

Allele frequency attached by ClinVar (database versions not stated): TOPMed below 0.00001.

Submissions (3):

Evidence-based Network for the Interpretation of Germline Mutant Alleles (ENIGMA)
Classification: Likely benign for Breast-ovarian cancer, familial, susceptibility to, 1. Last evaluated: 2017-06-29. Review status: reviewed by expert panel. Criteria: ENIGMA BRCA1/2 Classification Criteria (2017-06-29). Collection method: curation. Allele origin: germline.
Comment: Synonymous substitution variant, with low bioinformatic likelihood to result in a splicing aberration (Splicing prior probability 0.02).

Labcorp Genetics (formerly Invitae), Labcorp
Classification: Likely benign for Hereditary breast ovarian cancer syndrome. Last evaluated: 2023-07-19. Review status: criteria provided, single submitter. Criteria: Invitae Variant Classification Sherloc (09022015). Collection method: clinical testing. Allele origin: germline. Not counted in ClinVar's aggregate classification.

Ambry Genetics
Classification: Likely benign for Hereditary cancer-predisposing syndrome. Last evaluated: 2014-01-27. Review status: criteria provided, single submitter. Criteria: Ambry Autosomal Dominant and X-Linked criteria (10/2015). Collection method: clinical testing. Allele origin: germline. Observed: 1 variant allele. Not counted in ClinVar's aggregate classification.

NM_007294.4(BRCA1):c.3688T>C (p.Leu1230=)

Genes: BRCA1 (BRCA1 DNA repair associated; minus strand), LOC126862571 (BRD4-independent group 4 enhancer GRCh37_chr17:41243136-41244335; plus strand). Cytogenetic location: 17q21.31.
Variant type: single nucleotide variant.
Coding change: c.3688T>C on transcript NM_007294.4 (MANE Select); coding-DNA position 3688, T replaced by C.
Protein change: p.Leu1230=; no amino-acid change (leucine 1230 retained).
Molecular consequence: synonymous variant. On other transcripts: intron variant (135).
Genome position (GRCh38, 1-based): chr17:43,091,843, A>G on the plus strand (T>C on the coding strand, the complement: BRCA1 is on the minus strand). VCF-style: chr17-43091843-A-G. GRCh37 (hg19) VCF-style: chr17-41243860-A-G.
Other names: c.3475T>C, p.Leu1159= (NM_001407571.1, NM_001407853.1, NM_001407894.1 and 9 more transcripts); c.3688T>C, p.Leu1230= (NM_001407581.1, NM_001407582.1, NM_001407583.1 and 30 more transcripts); c.3685T>C, p.Leu1229= (NM_001407587.1, NM_001407590.1, NM_001407591.1 and 22 more transcripts); c.3679T>C, p.Leu1227= (NM_001407646.1, NM_001407647.1); c.3565T>C, p.Leu1189= (NM_001407648.1, NM_001407664.1, NM_001407665.1 and 19 more transcripts); c.3562T>C, p.Leu1188= (NM_001407649.1, NM_001407670.1, NM_001407671.1 and 11 more transcripts); c.3610T>C, p.Leu1204= (NM_001407653.1, NM_001407654.1, NM_001407655.1 and 4 more transcripts); c.3607T>C, p.Leu1203= (NM_001407659.1, NM_001407660.1, NM_001407661.1 and 1 more transcripts); and 41 more.
Identifiers: ClinVar variation 184630 (VCV000184630.9), dbSNP rs786201581, ClinGen allele CA002358.